The following is an entry in ClinVar:

NM_206965.2(FTCD):c.176T>G (p.Val59Gly)

Gene: FTCD (formimidoyltransferase cyclodeaminase; minus strand). Cytogenetic location: 21q22.3.
Variant type: single nucleotide variant.
Coding change: c.176T>G on transcript NM_206965.2 (MANE Select); coding-DNA position 176, T replaced by G.
Protein change: p.Val59Gly; replaces valine 59 with glycine.
Molecular consequence: missense variant.
Genome position (GRCh38, 1-based): chr21:46,154,211, A>C on the plus strand (T>G on the coding strand, the complement: FTCD is on the minus strand). VCF-style: chr21-46154211-A-C. GRCh37 (hg19) VCF-style: chr21-47574125-A-C.
Other names: c.176T>G (NM_006657.2); c.176T>G, p.Val59Gly (NM_001320412.2, NM_006657.3); short protein forms V59G.
Identifiers: ClinVar variation 2139162 (VCV002139162.5), dbSNP rs1178557049, ClinGen allele CA410522410.
Genomic context (GRCh38, chr21:46,154,211, plus strand): 5'-TGGTGCCTGCTCATGTCGATAAGTCGGGAAGCTACCCGGGCAGCGTTGAGGGCCCCCTCC[A>C]CCACGCACTCCGGCGGCCCCACGAAGGTGTACACGGTGCGGTTGGTGGAAGGGCCTGCGT-3'
Protein context (NP_996848.1, residues 49-69): YTFVGPPECV[Val59Gly]EGALNAARVA

ClinVar aggregate classification (germline): Uncertain significance. Review status: criteria provided, multiple submitters, no conflicts (2 of 4 stars). 2 submissions from 2 submitters: Uncertain significance (2). Last evaluated 2025-12-02.

Conditions:
Glutamate formiminotransferase deficiency. Also called: Arakawa syndrome 1; Formiminoglutamic aciduria. Identifiers: Orphanet 51208, MedGen C0268609, MONDO:0009240, OMIM 229100.
Inborn genetic diseases. Identifiers: MedGen C0950123, MeSH D030342.

gnomAD v4.1: 2 of 1,612,794 alleles (0.00012%); no homozygotes.

Submissions (2):

Ambry Genetics
Classification: Uncertain significance for Inborn genetic diseases. Last evaluated: 2025-12-02. Review status: criteria provided, single submitter. Criteria: Ambry Variant Classification Scheme 2023. Collection method: clinical testing. Allele origin: germline.

Labcorp Genetics (formerly Invitae), Labcorp
Classification: Uncertain significance for Glutamate formiminotransferase deficiency. Last evaluated: 2021-12-22. Review status: criteria provided, single submitter. Criteria: Invitae Variant Classification Sherloc (09022015). Collection method: clinical testing. Allele origin: germline.
Comment: In summary, the available evidence is currently insufficient to determine the role of this variant in disease. Therefore, it has been classified as a Variant of Uncertain Significance. Algorithms developed to predict the effect of missense changes on protein structure and function are either unavailable or do not agree on the potential impact of this missense change (SIFT: "Deleterious"; PolyPhen-2: "Probably Damaging"; Align-GVGD: "Class C0"). This variant has not been reported in the literature in individuals affected with FTCD-related conditions. This variant is present in population databases (no rsID available, gnomAD 0.0009%). This sequence change replaces valine, which is neutral and non-polar, with glycine, which is neutral and non-polar, at codon 59 of the FTCD protein (p.Val59Gly).